The following is an entry in ClinVar:

ClinVar aggregate classification (germline): Uncertain significance (1 of 4 stars; one submission).

Allele frequency attached by ClinVar (database versions not stated): gnomAD exomes 0.00001; TOPMed 0.00001; ExAC 0.00002.
gnomAD v4.1: 8 of 1,614,192 alleles (0.0005%); highest among the groups gnomAD compares: Admixed American, 0.013%; no homozygotes.

Submission:

Labcorp Genetics (formerly Invitae), Labcorp
Classification: Uncertain significance. Last evaluated: 2022-07-30. Review status: criteria provided, single submitter. Criteria: Invitae Variant Classification Sherloc (09022015). Collection method: clinical testing. Allele origin: germline.
Comment: In summary, the available evidence is currently insufficient to determine the role of this variant in disease. Therefore, it has been classified as a Variant of Uncertain Significance. Algorithms developed to predict the effect of missense changes on protein structure and function (SIFT, PolyPhen-2, Align-GVGD) all suggest that this variant is likely to be tolerated. This variant has not been reported in the literature in individuals affected with POLR3B-related conditions. This variant is present in population databases (rs778723427, gnomAD 0.02%). This sequence change replaces glutamic acid, which is acidic and polar, with glycine, which is neutral and non-polar, at codon 259 of the POLR3B protein (p.Glu259Gly).

NM_018082.6(POLR3B):c.776A>G (p.Glu259Gly)

Gene: POLR3B (RNA polymerase III subunit B; plus strand). Cytogenetic location: 12q23.3.
Variant type: single nucleotide variant.
Coding change: c.776A>G on transcript NM_018082.6 (MANE Select); coding-DNA position 776, A replaced by G.
Protein change: p.Glu259Gly; replaces glutamic acid 259 with glycine.
Molecular consequence: missense variant.
Genome position (GRCh38, 1-based): chr12:106,393,083, A>G. VCF-style: chr12-106393083-A-G. GRCh37 (hg19) VCF-style: chr12-106786861-A-G.
Other names: c.602A>G, p.Glu201Gly (NM_001160708.2); short protein forms E201G, E259G.
Identifiers: ClinVar variation 2420657 (VCV002420657.6), dbSNP rs778723427, ClinGen allele CA6761787.